The following is an entry in ClinVar:

NM_000426.4(LAMA2):c.172T>C (p.Cys58Arg)

Gene: LAMA2 (laminin subunit alpha 2; plus strand). Cytogenetic location: 6q22.33.
Variant type: single nucleotide variant.
Coding change: c.172T>C on transcript NM_000426.4 (MANE Select); coding-DNA position 172, T replaced by C.
Protein change: p.Cys58Arg; replaces cysteine 58 with arginine.
Molecular consequence: missense variant.
Genome position (GRCh38, 1-based): chr6:129,049,977, T>C. VCF-style: chr6-129049977-T-C. GRCh37 (hg19) VCF-style: chr6-129371122-T-C.
Other names: c.172T>C, p.Cys58Arg (NM_001079823.2); short protein forms C58R.
Identifiers: ClinVar variation 1333440 (VCV001333440.2), dbSNP rs1731993495, ClinGen allele CA365828512.

ClinVar aggregate classification (germline): Uncertain significance. Review status: criteria provided, multiple submitters, no conflicts (2 of 4 stars). 2 submissions from 2 submitters: Uncertain significance (2). Last evaluated 2026-02-05.

Conditions:
LAMA2-related muscular dystrophy (LAMA2-RD). Also called: Laminin alpha 2-related dystrophy. Identifiers: MedGen C5679788, MONDO:0100228.
Merosin deficient congenital muscular dystrophy (MDC1A). Also called: Congenital merosin-deficient muscular dystrophy 1A; Congenital Muscular Dystrophy Type 1A (MDC1A). Identifiers: Orphanet 258, MedGen C1263858, MONDO:0011925, OMIM 607855.

gnomAD v4.1: 1 of 1,613,868 alleles (0.000062%); highest among the groups gnomAD compares: Non-Finnish European, 0.000085%; no homozygotes.

Submissions (2):

Myriad Genetics, Inc.
Classification: Uncertain significance for LAMA2-related muscular dystrophy. Last evaluated: 2026-02-05. Review status: criteria provided, single submitter. Criteria: Myriad Autosomal Dominant, Autosomal Recessive and X-Linked Classification Criteria (2023). Collection method: clinical testing. Allele origin: unknown.
Comment: NM_000426.3(LAMA2):c.172T>C(C58R) is a missense variant classified as a variant of uncertain significance in the context of muscular dystrophy, LAMA2-related. C58R has been observed in cases with relevant disease (PMID: 3994102, 29172004). Relevant functional assessments of this variant are not available in the literature. C58R has not been observed in referenced population frequency databases. In summary, there is insufficient evidence to classify NM_000426.3(LAMA2):c.172T>C(C58R) as pathogenic or benign. Please note: this variant was assessed in the context of healthy population screening.

3billion
Classification: Uncertain significance for Merosin deficient congenital muscular dystrophy. Last evaluated: 2022-01-03. Review status: criteria provided, single submitter. Criteria: ACMG Guidelines, 2015. Collection method: clinical testing. Allele origin: germline. Affected: yes. Observed: 1 heterozygote.
Comment: The variant has been reported to be in trans with a pathogenic variant as either compound heterozygous or homozygous in at least one similarly affected unrelated individual (3billion dataset, PM3_M). In silico tool predictions suggest damaging effect of the variant on gene or gene product (REVEL: 0.944, PP3_P). It is not observed in the gnomAD v2.1.1 dataset (PM2_M). Therefore, this variant is classified as uncertain significance according to the recommendation of ACMG/AMP guideline.

Literature cited by the submitters: PubMed 29172004 (cited by Myriad Genetics, Inc.); PubMed 3994102 (cited by Myriad Genetics, Inc.).